The following is an entry in ClinVar:

ClinVar aggregate classification (germline): Conflicting classifications of pathogenicity. Review status: criteria provided, conflicting classifications (1 of 4 stars). 4 submissions from 4 submitters: Uncertain significance (1); Likely benign (2). 1 of the submissions does not count toward it. Last evaluated 2026-01-17.

Conditions:
SLC4A4-related disorder. Also called: SLC4A4-related condition.
Autosomal recessive proximal renal tubular acidosis (PRTAO). Also called: RENAL TUBULAR ACIDOSIS, PROXIMAL, WITH OCULAR ABNORMALITIES AND MENTAL RETARDATION; RTA, PROXIMAL, AUTOSOMAL RECESSIVE; RENAL TUBULAR ACIDOSIS, PROXIMAL, WITH OCULAR ABNORMALITIES AND IMPAIRED INTELLECTUAL DEVELOPMENT; PROXIMAL RENAL TUBULAR ACIDOSIS-OCULAR ANOMALY SYNDROME. Identifiers: Orphanet 93607, MedGen C1970309, MONDO:0011422, OMIM 604278.

Allele frequency attached by ClinVar (database versions not stated): 1000 Genomes Project 0.00160; 1000 Genomes Project 30x 0.00172; ExAC 0.00201; gnomAD exomes 0.00211; TOPMed 0.00242; ESP Exome Variant Server 0.00246; gnomAD 0.00258 and 0.00264.
gnomAD v4.1: 4,691 of 1,612,888 alleles (0.29%); highest among the groups gnomAD compares: Middle Eastern, 0.4%; 5 homozygotes.

Submissions (9):

Labcorp Genetics (formerly Invitae), Labcorp
Classification: Likely benign. Last evaluated: 2026-01-17. Review status: criteria provided, single submitter. Criteria: Invitae Variant Classification Sherloc (09022015). Collection method: clinical testing. Allele origin: germline.

CeGaT Center for Human Genetics Tuebingen
Classification: Likely benign. Last evaluated: 2025-02-01. Review status: criteria provided, single submitter. Criteria: CeGaT Center For Human Genetics Tuebingen Variant Classification Criteria Version 2. Collection method: clinical testing. Allele origin: germline. Affected: yes. Observed: 2 variant alleles.
Comment: SLC4A4: PP3, BS2

Illumina Laboratory Services, Illumina
Classification: Uncertain significance for Autosomal recessive proximal renal tubular acidosis. Last evaluated: 2017-04-27. Review status: criteria provided, single submitter. Criteria: ICSL Variant Classification Criteria 13 December 2019. Collection method: clinical testing. Allele origin: germline.

PreventionGenetics, part of Exact Sciences
Classification: Likely benign for SLC4A4-related condition. Last evaluated: 2022-04-08. Review status: no assertion criteria provided. Collection method: clinical testing. Allele origin: germline. Not counted in ClinVar's aggregate classification.
Comment: This variant is classified as likely benign based on ACMG/AMP sequence variant interpretation guidelines (Richards et al. 2015 PMID: 25741868, with internal and published modifications).

Dr. Peter K. Rogan Lab, Western University
No classification provided (evidence only). Condition: Clear cell carcinoma of kidney. Review status: no classification provided. Collection method: in vitro. Allele origin: not applicable. Functional consequence: retained intron. Not counted in ClinVar's aggregate classification.

Dr. Peter K. Rogan Lab, Western University
No classification provided (evidence only). Condition: Thyroid cancer, nonmedullary, 1. Review status: no classification provided. Collection method: in vitro. Allele origin: not applicable. Functional consequence: retained intron. Not counted in ClinVar's aggregate classification.

Dr. Peter K. Rogan Lab, Western University
No classification provided (evidence only). Condition: Cervical cancer. Review status: no classification provided. Collection method: in vitro. Allele origin: not applicable. Functional consequence: retained intron. Not counted in ClinVar's aggregate classification.

Dr. Peter K. Rogan Lab, Western University
No classification provided (evidence only). Condition: Hepatocellular carcinoma. Review status: no classification provided. Collection method: in vitro. Allele origin: not applicable. Functional consequence: retained intron. Not counted in ClinVar's aggregate classification.

Dr. Peter K. Rogan Lab, Western University
No classification provided (evidence only). Condition: Gastric cancer. Review status: no classification provided. Collection method: in vitro. Allele origin: not applicable. Functional consequence: retained intron. Not counted in ClinVar's aggregate classification.

NM_001098484.3(SLC4A4):c.1805A>G (p.Lys602Arg)

Genes: SLC4A4 (solute carrier family 4 member 4; plus strand), LOC126807073 (MED14-independent group 3 enhancer GRCh37_chr4:72338203-72339402; plus strand). Cytogenetic location: 4q13.3.
Variant type: single nucleotide variant.
Coding change: c.1805A>G on transcript NM_001098484.3 (MANE Select); coding-DNA position 1805, A replaced by G.
Protein change: p.Lys602Arg; replaces lysine 602 with arginine.
Molecular consequence: missense variant.
Genome position (GRCh38, 1-based): chr4:71,472,872, A>G. VCF-style: chr4-71472872-A-G. GRCh37 (hg19) VCF-style: chr4-72338589-A-G.
Other names: c.1805A>G, p.Lys602Arg (NM_001134742.2); c.1673A>G, p.Lys558Arg (NM_003759.4); short protein forms K602R, K558R.
Identifiers: ClinVar variation 713807 (VCV000713807.57), dbSNP rs72650362, ClinGen allele CA2954890.